The following is an entry in ClinVar:

ClinVar aggregate classification (germline): Uncertain significance (1 of 4 stars; one submission).

Allele frequency attached by ClinVar (database versions not stated): 1000 Genomes Project 30x 0.00016; 1000 Genomes Project 0.00020; TOPMed 0.00082; gnomAD 0.00095; ESP Exome Variant Server 0.00100.
gnomAD v4.1: 2,114 of 1,614,170 alleles (0.13%); highest among the groups gnomAD compares: Non-Finnish European, 0.17%; 2 homozygotes.

Submission:

Ambry Genetics
Classification: Uncertain significance. Last evaluated: 2024-09-12. Review status: criteria provided, single submitter. Criteria: Ambry Variant Classification Scheme 2023. Collection method: clinical testing. Allele origin: germline.
Comment: The p.G286C variant (also known as c.856G>T), located in coding exon 3 of the ALPK2 gene, results from a G to T substitution at nucleotide position 856. The glycine at codon 286 is replaced by cysteine, an amino acid with highly dissimilar properties. This amino acid position is conserved. In addition, this alteration is predicted to be tolerated by in silico analysis. Since supporting evidence is limited at this time, the clinical significance of this alteration remains unclear.

NM_052947.4(ALPK2):c.856G>T (p.Gly286Cys)

Genes: ALPK2 (alpha kinase 2; minus strand), LOC114803473 (ALPK2 eExon liver enhancer; plus strand). Cytogenetic location: 18q21.31.
Variant type: single nucleotide variant.
Coding change: c.856G>T on transcript NM_052947.4 (MANE Select); coding-DNA position 856, G replaced by T.
Protein change: p.Gly286Cys; replaces glycine 286 with cysteine.
Molecular consequence: missense variant.
Genome position (GRCh38, 1-based): chr18:58,579,920, C>A on the plus strand (G>T on the coding strand, the complement: ALPK2 is on the minus strand). VCF-style: chr18-58579920-C-A. GRCh37 (hg19) VCF-style: chr18-56247152-C-A.
Other names: short protein forms G286C.
Identifiers: ClinVar variation 1763893 (VCV001763893.3), dbSNP rs138300448, ClinGen allele CA8977371.
Genomic context (GRCh38, chr18:58,579,920, plus strand): 5'-TGTCAGAGTCTTCACTGGAAAGCTGTGGGCTGGGTTGTTTGTTGGCCACGGCACTGTCAC[C>A]TGGGTAAATGTGTGCAGTTGCCTCAGATAGCGGGAGGCTGAAGCTAATGTATTTCTGTAC-3'
Protein context (NP_443179.3, residues 276-296): LSEATAHIYP[Gly286Cys]DSAVANKQPS